The following is an entry in ClinVar:

NM_000202.8(IDS):c.560A>T (p.Asp187Val)

Genes: IDS (iduronate 2-sulfatase; minus strand), LOC106050102 (IDS recombination region; plus strand). Cytogenetic location: Xq28.
Variant type: single nucleotide variant.
Coding change: c.560A>T on transcript NM_000202.8 (MANE Select); coding-DNA position 560, A replaced by T.
Protein change: p.Asp187Val; replaces aspartic acid 187 with valine.
Molecular consequence: missense variant. On other transcripts: non-coding transcript variant (1).
Genome position (GRCh38, 1-based): chrX:149,498,255, T>A on the plus strand (A>T on the coding strand, the complement: IDS is on the minus strand). VCF-style: chrX-149498255-T-A. GRCh37 (hg19) VCF-style: chrX-148579786-T-A.
Other names: c.290A>T, p.Asp97Val (NM_001166550.4); c.560A>T, p.Asp187Val (NM_006123.5); short protein forms D187V, D97V.
Identifiers: ClinVar variation 3255769 (VCV003255769.2).

ClinVar aggregate classification (germline): Likely pathogenic (1 of 4 stars; one submission).

Conditions:
Mucopolysaccharidosis, MPS-II (MPS2). Also called: Hunter Syndrome; IDURONATE 2-SULFATASE DEFICIENCY; Mucopolysaccharidosis Type II; Mucopolysaccharidosis type 2; Attenuated MPS (subtype; formerly known as mild MPS II); Severe MPS II. Identifiers: Orphanet 580, Orphanet 79388, MedGen C0026705, MONDO:0010674, OMIM 309900.

Submission:

Laboratory of Diagnosis and Therapy of Lysosomal Disorders, University of Padova
Classification: Likely pathogenic for Mucopolysaccharidosis, MPS-II. Last evaluated: 2024-06-07. Review status: criteria provided, single submitter. Criteria: ACMG Guidelines, 2015. Collection method: literature only. Allele origin: germline. Affected: yes. Observed: 1 variant allele.
Comment: Absent from controls (or at low frequency) in gnomAD database (PM2_Moderate), Missense variant in a gene with a low rate of benign missense variation (PP2_Supporting), Multiple lines of computational evidence support a deleterious effect (PP3_Supporting), Patient’s phenotype or family history highly specific for the disease (PP4_Strong)

Classification method: ACMG Guidelines [PMID:25741868] with modifications

Literature cited by the submitters: PubMed 33960103.